The following is an entry in ClinVar:

NM_000903.3(NQO1):c.29T>A (p.Leu10Gln)

Gene: NQO1 (NAD(P)H quinone dehydrogenase 1; minus strand). Cytogenetic location: 16q22.1.
Variant type: single nucleotide variant.
Coding change: c.29T>A on transcript NM_000903.3 (MANE Select); coding-DNA position 29, T replaced by A.
Protein change: p.Leu10Gln; replaces leucine 10 with glutamine.
Molecular consequence: missense variant.
Genome position (GRCh38, 1-based): chr16:69,718,513, A>T on the plus strand (T>A on the coding strand, the complement: NQO1 is on the minus strand). VCF-style: chr16-69718513-A-T. GRCh37 (hg19) VCF-style: chr16-69752416-A-T.
Other names: c.29T>A, p.Leu10Gln (NM_001025433.2, NM_001025434.2, NM_001286137.2); short protein forms L10Q.
Identifiers: ClinVar variation 2589610 (VCV002589610.2), dbSNP rs2544333674, ClinGen allele CA396492020.

ClinVar aggregate classification (germline): Uncertain significance (1 of 4 stars; one submission).

Allele frequency attached by ClinVar (database versions not stated): gnomAD exomes 0.00001.
gnomAD v4.1: 15 of 1,613,974 alleles (0.00093%); highest among the groups gnomAD compares: Non-Finnish European, 0.0013%; no homozygotes.

Submission:

Ambry Genetics
Classification: Uncertain significance. Last evaluated: 2023-08-07. Review status: criteria provided, single submitter. Criteria: Ambry Variant Classification Scheme 2023. Collection method: clinical testing. Allele origin: germline.
Comment: The p.L10Q variant (also known as c.29T>A), located in coding exon 2 of the NQO1 gene, results from a T to A substitution at nucleotide position 29. The leucine at codon 10 is replaced by glutamine, an amino acid with dissimilar properties. This amino acid position is conserved. In addition, the in silico prediction for this alteration is inconclusive. Since supporting evidence is limited at this time, the clinical significance of this alteration remains unclear.